The following is an entry in ClinVar:

ClinVar aggregate classification (germline): Likely pathogenic (1 of 4 stars; one submission).

Conditions:
Lopes-Maciel-Rodan syndrome (LOMARS). Identifiers: MedGen C4479491, MONDO:0054573, OMIM 617435.

gnomAD v4.1: 2 of 1,582,508 alleles (0.00013%); highest among the groups gnomAD compares: Middle Eastern, 0.017%; no homozygotes.

Submission:

First Genomix Gene Laboratory, Genetic Diagnostics Department
Classification: Likely pathogenic for Lopes-Maciel-Rodan syndrome. Last evaluated: 2025-01-14. Review status: criteria provided, single submitter. Criteria: ACMG Guidelines, 2015. Collection method: clinical testing. Allele origin: germline. Inheritance: Autosomal recessive inheritance. Affected: no. Observed: 1 variant allele.

NM_001388492.1(HTT):c.6921C>G (p.Leu2307=)

Gene: HTT (huntingtin; plus strand). Cytogenetic location: 4p16.3.
Variant type: single nucleotide variant.
Coding change: c.6921C>G on transcript NM_001388492.1 (MANE Select); coding-DNA position 6921, C replaced by G.
Protein change: p.Leu2307=; no amino-acid change (leucine 2307 retained).
Molecular consequence: synonymous variant.
Genome position (GRCh38, 1-based): chr4:3,214,104, C>G. VCF-style: chr4-3214104-C-G. GRCh37 (hg19) VCF-style: chr4-3215831-C-G.
Other names: c.6927C>G, p.Leu2309= (NM_002111.8).
Identifiers: ClinVar variation 4845680 (VCV004845680.1).